The following is an entry in ClinVar:

NM_001378454.1(ALMS1):c.5243A>G (p.Lys1748Arg)

Gene: ALMS1 (ALMS1 centrosome and basal body associated protein; plus strand). Cytogenetic location: 2p13.1.
Variant type: single nucleotide variant.
Coding change: c.5243A>G on transcript NM_001378454.1 (MANE Select); coding-DNA position 5243, A replaced by G.
Protein change: p.Lys1748Arg; replaces lysine 1748 with arginine.
Molecular consequence: missense variant.
Genome position (GRCh38, 1-based): chr2:73,451,770, A>G. VCF-style: chr2-73451770-A-G. GRCh37 (hg19) VCF-style: chr2-73678897-A-G.
Other names: c.5246A>G, p.Lys1749Arg (NM_015120.4); short protein forms K1748R, K1749R.
Identifiers: ClinVar variation 2074216 (VCV002074216.1), dbSNP rs2466104331, ClinGen allele CA347280534.
Genomic context (GRCh38, chr2:73,451,770, plus strand): 5'-ACAGTGAGCTAACTCAAGAAGCTCTGAAAGTTTCAGCTGTTCCTCAACCAGCTGACCAGA[A>G]GACTGGGTTATCTACTGTAACTTCCTCTTTCTATTCACATACAGAGAAGCCTAATATTTC-3'
Protein context (NP_001365383.1, residues 1738-1758): VSAVPQPADQ[Lys1748Arg]TGLSTVTSSF

ClinVar aggregate classification (germline): Uncertain significance (1 of 4 stars; one submission).

Conditions:
Alstrom syndrome (ALMS). Identifiers: Orphanet 64, MedGen C0268425, MONDO:0008763, OMIM 203800.

Allele frequency attached by ClinVar (database versions not stated): gnomAD exomes below 0.00001.
gnomAD v4.1: 5 of 1,614,104 alleles (0.00031%); highest among the groups gnomAD compares: African/African-American, 0.004%; no homozygotes.

Submission:

Labcorp Genetics (formerly Invitae), Labcorp
Classification: Uncertain significance for Alstrom syndrome. Last evaluated: 2022-10-07. Review status: criteria provided, single submitter. Criteria: Invitae Variant Classification Sherloc (09022015). Collection method: clinical testing. Allele origin: germline.
Comment: This sequence change replaces lysine, which is basic and polar, with arginine, which is basic and polar, at codon 1749 of the ALMS1 protein (p.Lys1749Arg). This variant is not present in population databases (gnomAD no frequency). This variant has not been reported in the literature in individuals affected with ALMS1-related conditions. Experimental studies and prediction algorithms are not available or were not evaluated, and the functional significance of this variant is currently unknown. In summary, the available evidence is currently insufficient to determine the role of this variant in disease. Therefore, it has been classified as a Variant of Uncertain Significance.